The following is an entry in ClinVar:

NM_016585.5(SPMAP2):c.72G>A (p.Glu24=)

Gene: SPMAP2 (sperm microtubule associated protein 2; minus strand). Cytogenetic location: 19p13.3.
Variant type: single nucleotide variant.
Coding change: c.72G>A on transcript NM_016585.5 (MANE Select); coding-DNA position 72, G replaced by A.
Protein change: p.Glu24=; no amino-acid change (glutamic acid 24 retained).
Molecular consequence: synonymous variant.
Genome position (GRCh38, 1-based): chr19:375,899, C>T on the plus strand (G>A on the coding strand, the complement: SPMAP2 is on the minus strand). VCF-style: chr19-375899-C-T. GRCh37 (hg19) VCF-style: chr19-375899-C-T.
Other names: c.72G>A, p.Glu24= (NM_199202.3).
Identifiers: ClinVar variation 2648842 (VCV002648842.24), dbSNP rs138651861, ClinGen allele CA9015003.

ClinVar aggregate classification (germline): Likely benign (1 of 4 stars; one submission).

Allele frequency attached by ClinVar (database versions not stated): ESP Exome Variant Server 0.00031; gnomAD 0.00040; TOPMed 0.00045; ExAC 0.00046; gnomAD exomes 0.00059.
gnomAD v4.1: 880 of 1,528,720 alleles (0.058%); highest among the groups gnomAD compares: Middle Eastern, 0.14%; 4 homozygotes.

Submission:

CeGaT Center for Human Genetics Tuebingen
Classification: Likely benign. Last evaluated: 2023-04-01. Review status: criteria provided, single submitter. Criteria: CeGaT Center For Human Genetics Tuebingen Variant Classification Criteria Version 2. Collection method: clinical testing. Allele origin: germline. Affected: yes. Observed: 1 variant allele.
Comment: SPMAP2: BP4, BP7